The following is an entry in ClinVar:

ClinVar aggregate classification (germline): Uncertain significance (1 of 4 stars; one submission).

Conditions:
Familial adenomatous polyposis 1 (FAP1). Also called: FAMILIAL ADENOMATOUS POLYPOSIS 1, ATTENUATED; POLYPOSIS, ADENOMATOUS INTESTINAL. Identifiers: MedGen C2713442, MONDO:0021056, OMIM 175100. Disease mechanism: loss of function.

Submission:

Labcorp Genetics (formerly Invitae), Labcorp
Classification: Uncertain significance for Familial adenomatous polyposis 1. Last evaluated: 2022-11-25. Review status: criteria provided, single submitter. Criteria: Invitae Variant Classification Sherloc (09022015). Collection method: clinical testing. Allele origin: germline.
Comment: This sequence change replaces asparagine, which is neutral and polar, with aspartic acid, which is acidic and polar, at codon 804 of the APC protein (p.Asn804Asp). This variant is not present in population databases (gnomAD no frequency). This variant has not been reported in the literature in individuals affected with APC-related conditions. Advanced modeling of protein sequence and biophysical properties (such as structural, functional, and spatial information, amino acid conservation, physicochemical variation, residue mobility, and thermodynamic stability) performed at Invitae indicates that this missense variant is not expected to disrupt APC protein function. In summary, the available evidence is currently insufficient to determine the role of this variant in disease. Therefore, it has been classified as a Variant of Uncertain Significance.

NM_000038.6(APC):c.2410A>G (p.Asn804Asp)

Gene: APC (APC regulator of Wnt signaling pathway; plus strand). Cytogenetic location: 5q22.2.
Variant type: single nucleotide variant.
Coding change: c.2410A>G on transcript NM_000038.6 (MANE Select); coding-DNA position 2410, A replaced by G.
Protein change: p.Asn804Asp; replaces asparagine 804 with aspartic acid.
Molecular consequence: missense variant. On other transcripts: non-coding transcript variant (2).
Genome position (GRCh38, 1-based): chr5:112,838,004, A>G. VCF-style: chr5-112838004-A-G. GRCh37 (hg19) VCF-style: chr5-112173701-A-G.
Other names: c.2410A>G, p.Asn804Asp (NM_001127510.3, NM_001354895.2, NM_001407450.1); c.2356A>G, p.Asn786Asp (NM_001127511.3); c.2464A>G, p.Asn822Asp (NM_001354896.2, NM_001407447.1, NM_001407448.1 and 1 more transcripts); c.2440A>G, p.Asn814Asp (NM_001354897.2); c.2335A>G, p.Asn779Asp (NM_001354898.2); c.2326A>G, p.Asn776Asp (NM_001354899.2); c.2287A>G, p.Asn763Asp (NM_001354900.2); c.2233A>G, p.Asn745Asp (NM_001354901.2, NM_001407453.1); and 11 more; short protein forms N420D, N644D, N675D, N776D, N786D, N703D, N721D, N822D.
Identifiers: ClinVar variation 2875903 (VCV002875903.3), dbSNP rs1382294216, ClinGen allele CA16026627.